The following is an entry in ClinVar:

ClinVar aggregate classification (germline): Uncertain significance. Review status: criteria provided, multiple submitters, no conflicts (2 of 4 stars). 2 submissions from 2 submitters: Uncertain significance (2). Last evaluated 2024-09-11.

Conditions:
Cortical dysplasia-focal epilepsy syndrome (PTHSL1). Also called: Pitt-Hopkins-like syndrome 1. Identifiers: Orphanet 163681, Orphanet 221150, MedGen C2750246, MONDO:0012400, OMIM 610042.
Inborn genetic diseases. Identifiers: MedGen C0950123, MeSH D030342.

Allele frequency attached by ClinVar (database versions not stated): gnomAD below 0.00001 and 0.00001; gnomAD exomes 0.00002 and 0.00004; ExAC 0.00004.
gnomAD v4.1: 30 of 1,614,012 alleles (0.0019%); highest among the groups gnomAD compares: South Asian, 0.031%; no homozygotes.

Submissions (2):

Ambry Genetics
Classification: Uncertain significance for Inborn genetic diseases. Last evaluated: 2024-09-11. Review status: criteria provided, single submitter. Criteria: Ambry Variant Classification Scheme 2023. Collection method: clinical testing. Allele origin: germline.

Labcorp Genetics (formerly Invitae), Labcorp
Classification: Uncertain significance for Cortical dysplasia-focal epilepsy syndrome. Last evaluated: 2021-08-24. Review status: criteria provided, single submitter. Criteria: Invitae Variant Classification Sherloc (09022015). Collection method: clinical testing. Allele origin: germline.
Comment: This sequence change replaces histidine with arginine at codon 1137 of the CNTNAP2 protein (p.His1137Arg). The histidine residue is moderately conserved and there is a small physicochemical difference between histidine and arginine. This variant is present in population databases (rs775065734, ExAC 0.02%). This variant has not been reported in the literature in individuals affected with CNTNAP2-related conditions. Algorithms developed to predict the effect of missense changes on protein structure and function (SIFT, PolyPhen-2, Align-GVGD) all suggest that this variant is likely to be tolerated. In summary, the available evidence is currently insufficient to determine the role of this variant in disease. Therefore, it has been classified as a Variant of Uncertain Significance.

NM_014141.6(CNTNAP2):c.3410A>G (p.His1137Arg)

Gene: CNTNAP2 (contactin associated protein 2; plus strand). Cytogenetic location: 7q36.1.
Variant type: single nucleotide variant.
Coding change: c.3410A>G on transcript NM_014141.6 (MANE Select); coding-DNA position 3410, A replaced by G.
Protein change: p.His1137Arg; replaces histidine 1137 with arginine.
Molecular consequence: missense variant.
Genome position (GRCh38, 1-based): chr7:148,267,061, A>G. VCF-style: chr7-148267061-A-G. GRCh37 (hg19) VCF-style: chr7-147964153-A-G.
Other names: short protein forms H1137R.
Identifiers: ClinVar variation 858163 (VCV000858163.8), dbSNP rs775065734, ClinGen allele CA4546647.